The following is an entry in ClinVar:

ClinVar aggregate classification (germline): Pathogenic (1 of 4 stars; one submission).

Submission:

Labcorp Genetics (formerly Invitae), Labcorp
Classification: Pathogenic. Last evaluated: 2024-12-31. Review status: criteria provided, single submitter. Criteria: Invitae Variant Classification Sherloc (09022015). Collection method: clinical testing. Allele origin: germline.
Comment: This sequence change creates a premature translational stop signal (p.Leu29Argfs*34) in the MYO18B gene. It is expected to result in an absent or disrupted protein product. Loss-of-function variants in MYO18B are known to be pathogenic (PMID: 25748484, 32184166, 32637634). This variant is present in population databases (no rsID available, gnomAD 0.0009%). This variant has not been reported in the literature in individuals affected with MYO18B-related conditions. For these reasons, this variant has been classified as Pathogenic.

Literature cited by the submitters: PubMed 25748484; PubMed 32184166; PubMed 32637634.

NM_032608.7(MYO18B):c.75_85dup (p.Leu29fs)

Gene: MYO18B (myosin XVIIIB; plus strand). Cytogenetic location: 22q12.1.
Variant type: Duplication.
Coding change: c.75_85dup on transcript NM_032608.7 (MANE Select); coding-DNA positions 75 to 85, 11 bases duplicated (GCCCCCTCCTC).
Protein change: p.Leu29fs; shifts the reading frame from leucine 29.
Molecular consequence: frameshift variant.
Genome position (GRCh38, 1-based): chr22:25,763,266-25,763,276, GCCCCCTCCTC duplicated; duplicating any 11 consecutive bases within chr22:25,763,261-25,763,276 gives the same sequence; the c. name uses the placement nearest the transcript's 3' end. VCF-style (leftmost placement, unchanged base first): chr22-25763260-A-ATCCTCGCCCCC. GRCh37 (hg19) VCF-style: chr22-26159227-A-ATCCTCGCCCCC.
Other names: c.75_85dup, p.Leu29fs (NM_001318245.2); short protein forms L29fs.
Identifiers: ClinVar variation 3615629 (VCV003615629.2).